The following is an entry in ClinVar:

ClinVar aggregate classification (germline): Likely benign. Review status: criteria provided, multiple submitters, no conflicts (2 of 4 stars). 2 submissions from 2 submitters: Likely benign (2). Last evaluated 2025-09-19.

Conditions:
Osteogenesis imperfecta type I (OI1). Also called: Lobstein disease; OI, TYPE I; OSTEOGENESIS IMPERFECTA TARDA; OSTEOGENESIS IMPERFECTA WITH BLUE SCLERAE; Classic Non-deforming Osteogenesis Imperfecta with Blue Sclerae; Osteogenesis imperfecta type 1. Identifiers: Orphanet 216796, Orphanet 666, MedGen C0023931, MONDO:0008146, OMIM 166200. Disease mechanism: loss of function.
Ehlers-Danlos syndrome, classic type, 1 (EDSCL1). Also called: EHLERS-DANLOS SYNDROME, GRAVIS TYPE; EHLERS-DANLOS SYNDROME, SEVERE CLASSIC TYPE; Ehlers-Danlos Syndrome, Classic Type, COL5A1-Related; EDS I; Ehlers-Danlos syndrome, type 1. Identifiers: MedGen C0268335, MONDO:0019567, OMIM 130000.

Allele frequency attached by ClinVar (database versions not stated): gnomAD exomes below 0.00001 and 0.00001; gnomAD 0.00001.
gnomAD v4.1: 4 of 1,564,140 alleles (0.00026%); highest among the groups gnomAD compares: South Asian, 0.0012%; no homozygotes.

Submissions (2):

Labcorp Genetics (formerly Invitae), Labcorp
Classification: Likely benign for Osteogenesis imperfecta type I; Ehlers-Danlos syndrome, classic type, 1. Last evaluated: 2025-09-19. Review status: criteria provided, single submitter. Criteria: Invitae Variant Classification Sherloc (09022015). Collection method: clinical testing. Allele origin: germline.

GeneDx
Classification: Likely benign. Last evaluated: 2016-12-29. Review status: criteria provided, single submitter. Criteria: GeneDx Variant Classification (06012015). Collection method: clinical testing. Allele origin: germline. Affected: yes.
Comment: This variant is considered likely benign or benign based on one or more of the following criteria: it is a conservative change, it occurs at a poorly conserved position in the protein, it is predicted to be benign by multiple in silico algorithms, and/or has population frequency not consistent with disease.

NM_000089.4(COL1A2):c.1971+17A>G

Gene: COL1A2 (collagen type I alpha 2 chain; plus strand). Cytogenetic location: 7q21.3.
Variant type: single nucleotide variant.
Coding change: c.1971+17A>G on transcript NM_000089.4 (MANE Select); 17 bases into the intron after coding-DNA position 1971, A replaced by G.
Molecular consequence: intron variant.
Genome position (GRCh38, 1-based): chr7:94,417,848, A>G. VCF-style: chr7-94417848-A-G. GRCh37 (hg19) VCF-style: chr7-94047160-A-G.
Identifiers: ClinVar variation 391840 (VCV000391840.4), dbSNP rs1057524258, ClinGen allele CA16605303.
Genomic context (GRCh38, chr7:94,417,848, plus strand): 5'-GAGAGAGGGGTGCTGCTGGCATACCTGGAGGCAAGGGAGAAAAGGTACGTGTTGACCCCT[A>G]TTACATATTGTTGATGAACTCTAGTAAAGAAGGCTGCACAAGGATGCCCAAGTTTTCACA-3'